The following is an entry in ClinVar:

NM_003923.2(FOXH1):c.-314T>G

Gene: FOXH1 (forkhead box H1; minus strand). Cytogenetic location: 8q24.3.
Variant type: single nucleotide variant.
Coding change: c.-314T>G on transcript NM_003923.2; 314 bases upstream of the start codon, T replaced by G.
Genome position (GRCh38, 1-based): chr8:144,476,070, A>C on the plus strand (T>G on the coding strand, the complement: FOXH1 is on the minus strand). VCF-style: chr8-144476070-A-C. GRCh37 (hg19) VCF-style: chr8-145701453-A-C.
Identifiers: ClinVar variation 362288 (VCV000362288.10), dbSNP rs750472, ClinGen allele CA10630478.

ClinVar aggregate classification (germline): Benign. Review status: criteria provided, multiple submitters, no conflicts (2 of 4 stars). 3 submissions from 3 submitters: Benign (3). Last evaluated 2018-11-11.

Conditions:
Holoprosencephaly sequence (HPE). Also called: Holoprosencephaly. Identifiers: Orphanet 2162, MedGen C0079541, MONDO:0016296, HP:0001360.

Allele frequency attached by ClinVar (database versions not stated): gnomAD 0.49687 and 0.50411; gnomAD exomes 0.47919; TOPMed 0.48879; 1000 Genomes Project 30x 0.44082; 1000 Genomes Project 0.44429.

Submissions (3):

GeneDx
Classification: Benign. Last evaluated: 2018-11-11. Review status: criteria provided, single submitter. Criteria: GeneDx Variant Classification Process June 2021. Collection method: clinical testing. Allele origin: germline. Affected: yes.

Illumina Laboratory Services, Illumina
Classification: Benign for Holoprosencephaly sequence. Last evaluated: 2018-01-12. Review status: criteria provided, single submitter. Criteria: ICSL Variant Classification Criteria 13 December 2019. Collection method: clinical testing. Allele origin: germline.
Comment: This variant was observed in the ICSL laboratory as part of a predisposition screen in an ostensibly healthy population. It had not been previously curated by ICSL or reported in the Human Gene Mutation Database (HGMD: prior to June 1st, 2018), and was therefore a candidate for classification through an automated scoring system. Utilizing variant allele frequency, disease prevalence and penetrance estimates, and inheritance mode, an automated score was calculated to assess if this variant is too frequent to cause the disease. Based on the score and internal cut-off values, a variant classified as benign is not then subjected to further curation. The score for this variant resulted in a classification of benign for this disease.

Breakthrough Genomics
Classification: Benign. Review status: criteria provided, single submitter. Criteria: ACMG Guidelines, 2015. Collection method: not provided. Allele origin: germline. Inheritance: Unknown mechanism. Affected: yes.